The following is an entry in ClinVar:

ClinVar aggregate classification (germline): Uncertain significance. Review status: criteria provided, multiple submitters, no conflicts (2 of 4 stars). 3 submissions from 3 submitters: Uncertain significance (3). Last evaluated 2025-06-17.

Conditions:
RYR1-related disorder. Also called: RYR1-related condition; RYR1-related disorders. Identifiers: MedGen CN239331.
Malignant hyperthermia, susceptibility to, 1 (MHS1). Also called: Malignant hyperthermia suceptibility 1; Anesthesia related hyperthermia; Malignant hyperpyrexia; Fulminating hyperpyrexia; Pharmacogenic myopathy; RYR1-Related Malignant Hyperthermia Susceptibility. Identifiers: Orphanet 423, MedGen C2930980, MONDO:0007783, OMIM 145600.

gnomAD v4.1: 2 of 1,614,212 alleles (0.00012%); highest among the groups gnomAD compares: Non-Finnish European, 0.00017%; no homozygotes.

Submissions (3):

Color Diagnostics, LLC DBA Color Health
Classification: Uncertain significance for Malignant hyperthermia, susceptibility to, 1. Last evaluated: 2025-06-17. Review status: criteria provided, single submitter. Criteria: ACMG Guidelines, 2015. Collection method: clinical testing. Allele origin: germline.
Comment: This missense variant replaces threonine with arginine at codon 541 of the RYR1 protein. Computational prediction suggests that this variant may not impact protein structure and function. To our knowledge, functional studies have not been reported for this variant. This variant has not been reported in individuals affected with RYR1-related disorders in the literature. This variant has not been identified in the general population by the Genome Aggregation Database (gnomAD). The available evidence is insufficient to determine the role of this variant in disease conclusively. Therefore, this variant is classified as a Variant of Uncertain Significance.

All of Us Research Program, National Institutes of Health
Classification: Uncertain significance for Malignant hyperthermia, susceptibility to, 1. Last evaluated: 2023-03-04. Review status: criteria provided, single submitter. Criteria: ACMG Guidelines, 2015. Collection method: clinical testing. Allele origin: germline. Inheritance: Autosomal dominant inheritance. Observed: 1 variant allele, 1 heterozygote.
Comment: This study involves interpretation of variants in research participants for the purpose of population health screening. Participant phenotype was not available at the time of variant classification. Additional details can be found in publication PMID: 35346344, PMCID: PMC8962531

Labcorp Genetics (formerly Invitae), Labcorp
Classification: Uncertain significance for RYR1-related disorder. Last evaluated: 2021-09-17. Review status: criteria provided, single submitter. Criteria: Invitae Variant Classification Sherloc (09022015). Collection method: clinical testing. Allele origin: germline.
Comment: This sequence change replaces threonine with arginine at codon 541 of the RYR1 protein (p.Thr541Arg). The threonine residue is moderately conserved and there is a moderate physicochemical difference between threonine and arginine. This variant is not present in population databases (ExAC no frequency). This variant has not been reported in the literature in individuals with RYR1-related conditions. ClinVar contains an entry for this variant (Variation ID: 808533). Advanced modeling of protein sequence and biophysical properties (such as structural, functional, and spatial information, amino acid conservation, physicochemical variation, residue mobility, and thermodynamic stability) performed at Invitae indicates that this missense variant is not expected to disrupt RYR1 protein function. Algorithms developed to predict the effect of sequence changes on RNA splicing suggest that this variant may create or strengthen a splice site, but this prediction has not been confirmed by published transcriptional studies. In summary, the available evidence is currently insufficient to determine the role of this variant in disease. Therefore, it has been classified as a Variant of Uncertain Significance.

NM_000540.3(RYR1):c.1622C>G (p.Thr541Arg)

Gene: RYR1 (ryanodine receptor 1; plus strand). Cytogenetic location: 19q13.2.
Variant type: single nucleotide variant.
Coding change: c.1622C>G on transcript NM_000540.3 (MANE Select); coding-DNA position 1622, C replaced by G.
Protein change: p.Thr541Arg; replaces threonine 541 with arginine.
Molecular consequence: missense variant.
Genome position (GRCh38, 1-based): chr19:38,455,496, C>G. VCF-style: chr19-38455496-C-G. GRCh37 (hg19) VCF-style: chr19-38946136-C-G.
Other names: c.1622C>G, p.Thr541Arg (NM_001042723.2); short protein forms T541R.
Identifiers: ClinVar variation 808533 (VCV000808533.18), dbSNP rs1600675641, ClinGen allele CA405689985.